The following is an entry in ClinVar:

ClinVar aggregate classification (germline): Uncertain significance (1 of 4 stars; one submission).

Conditions:
Hereditary breast ovarian cancer syndrome. Also called: Hereditary breast and ovarian cancer syndrome; Hereditary breast and ovarian cancer syndrome (HBOC); BRCA1- and BRCA2-Associated Hereditary Breast and Ovarian Cancer; Hereditary breast and ovarian cancer; Hereditary breast and/or ovarian cancer syndrome; Breast and ovarian cancer. Identifiers: Orphanet 145, MedGen C0677776, MeSH D061325, MONDO:0003582. Disease mechanism: loss of function.

Submission:

Labcorp Genetics (formerly Invitae), Labcorp
Classification: Uncertain significance for Hereditary breast ovarian cancer syndrome. Last evaluated: 2020-08-03. Review status: criteria provided, single submitter. Criteria: Invitae Variant Classification Sherloc (09022015). Collection method: clinical testing. Allele origin: germline.
Comment: This variant occurs in a non-coding region of the BRCA2 gene. It does not change the encoded amino acid sequence of the BRCA2 protein. This variant is not present in population databases (ExAC no frequency). This variant has not been reported in the literature in individuals with BRCA2-related conditions. Experimental studies and prediction algorithms are not available for this variant, and the functional significance of this non-coding change is currently unknown. Algorithms developed to predict the effect of sequence changes on RNA splicing suggest that this variant may create or strengthen a splice site, but this prediction has not been confirmed by published transcriptional studies. In summary, the available evidence is currently insufficient to determine the role of this variant in disease. Therefore, it has been classified as a Variant of Uncertain Significance.

NM_000059.4(BRCA2):c.-11C>G

Gene: BRCA2 (BRCA2 DNA repair associated; plus strand). Cytogenetic location: 13q13.1.
Variant type: single nucleotide variant.
Coding change: c.-11C>G on transcript NM_000059.4 (MANE Select); 11 bases upstream of the start codon, C replaced by G.
Molecular consequence: 5 prime UTR variant.
Genome position (GRCh38, 1-based): chr13:32,316,450, C>G. VCF-style: chr13-32316450-C-G. GRCh37 (hg19) VCF-style: chr13-32890587-C-G.
Identifiers: ClinVar variation 1037615 (VCV001037615.9), dbSNP rs76874770, ClinGen allele CA2082775470.